The following is an entry in ClinVar:

NM_000090.4(COL3A1):c.1455+5G>A

Gene: COL3A1 (collagen type III alpha 1 chain; plus strand). Cytogenetic location: 2q32.2.
Variant type: single nucleotide variant.
Coding change: c.1455+5G>A on transcript NM_000090.4 (MANE Select); 5 bases into the intron after coding-DNA position 1455, G replaced by A.
Molecular consequence: intron variant.
Genome position (GRCh38, 1-based): chr2:188,994,836, G>A. VCF-style: chr2-188994836-G-A. GRCh37 (hg19) VCF-style: chr2-189859562-G-A.
Other names: c.1455+5G>A (NM_000090.3).
Identifiers: ClinVar variation 1677976 (VCV001677976.6), dbSNP rs774425143, ClinGen allele CA074315.
Genomic context (GRCh38, chr2:188,994,836, plus strand): 5'-ATGGATCACCTGGAGAACCTGGTGCAAATGGGCTTCCAGGAGCTGCAGGAGAAAGGGTAC[G>A]TTTTCCATGGGGCATCTAAAAGAAAAGCAGCATCACTGTCATCTAAATAAAACTACCTTC-3'

ClinVar aggregate classification (germline): Uncertain significance. Review status: criteria provided, multiple submitters, no conflicts (2 of 4 stars). 4 submissions from 4 submitters: Uncertain significance (4). Last evaluated 2026-04-07.

Conditions:
Ehlers-Danlos syndrome, type 4 (EDSVASC). Also called: Ehlers-Danlos syndrome vascular type; Ehlers Danlos syndrome, ecchymotic type; Ehlers Danlos syndrome, arterial type; Ehlers Danlos syndrome, Sack-Barabas type; Ehlers-Danlos Syndrome Type IV. Identifiers: Orphanet 286, MedGen C0268338, MONDO:0017314, OMIM 130050.
Familial thoracic aortic aneurysm and aortic dissection (TAAD). Also called: Thoracic aortic aneurysms and dissections. Identifiers: Orphanet 91387, MedGen C4707243, MONDO:0019625.

Allele frequency attached by ClinVar (database versions not stated): gnomAD exomes below 0.00001; ExAC 0.00001.
gnomAD v4.1: 4 of 1,612,644 alleles (0.00025%); highest among the groups gnomAD compares: Non-Finnish European, 0.00034%; no homozygotes.

Submissions (4):

Women's Health and Genetics/Laboratory Corporation of America, LabCorp
Classification: Uncertain significance. Last evaluated: 2026-04-07. Review status: criteria provided, single submitter. Criteria: LabCorp Variant Classification Summary - May 2015. Collection method: clinical testing. Allele origin: germline.
Comment: Variant summary: COL3A1 c.1455+5G>A alters a nucleotide located close to a canonical splice site and therefore could affect mRNA splicing, leading to a significantly altered protein sequence. Several computational tools predict a significant impact on normal splicing: Two predict the variant abolishes the canonical 5' splicing donor site and two predict the variant weakens the 5' donor site. However, these predictions have yet to be confirmed by functional studies. The variant allele was found at a frequency of 4e-06 in 251078 control chromosomes. c.1455+5G>A has been observed in individuals from a family affected with vascular Ehlers-Danlos syndrome (Solyst_2022). These data indicate that the variant may be associated with disease. To our knowledge, no experimental evidence demonstrating an impact on protein function has been reported. The following publication has been ascertained in the context of this evaluation (PMID: 35699227). ClinVar contains an entry for this variant (Variation ID: 1677976). Based on the evidence outlined above, the variant was classified as VUS-possibly pathogenic.

Ambry Genetics
Classification: Uncertain significance for Familial thoracic aortic aneurysm and aortic dissection. Last evaluated: 2025-07-09. Review status: criteria provided, single submitter. Criteria: Ambry Variant Classification Scheme 2023. Collection method: clinical testing. Allele origin: germline.
Comment: The c.1455+5G>A intronic variant results from a G to A substitution 5 nucleotides after coding exon 20 in the COL3A1 gene. This variant was reported in a family that had features of vascular Ehlers Danlos syndrome (S&oslash;lyst S et al. Clin Genet, 2022 Sep;102:191-200). This nucleotide position is well conserved in available vertebrate species. In silico splice site analysis for this alteration is inconclusive. Based on the available evidence, the clinical significance of this variant remains unclear.

Labcorp Genetics (formerly Invitae), Labcorp
Classification: Uncertain significance for Ehlers-Danlos syndrome, type 4. Last evaluated: 2024-07-16. Review status: criteria provided, single submitter. Criteria: Invitae Variant Classification Sherloc (09022015). Collection method: clinical testing. Allele origin: germline.
Comment: This sequence change falls in intron 20 of the COL3A1 gene. It does not directly change the encoded amino acid sequence of the COL3A1 protein. It affects a nucleotide within the consensus splice site. This variant is present in population databases (rs774425143, gnomAD 0.0009%). This variant has been observed in individual(s) with Ehlers–Danlos syndrome (PMID: 35699227). ClinVar contains an entry for this variant (Variation ID: 1677976). Variants that disrupt the consensus splice site are a relatively common cause of aberrant splicing (PMID: 17576681, 9536098). Algorithms developed to predict the effect of sequence changes on RNA splicing suggest that this variant may disrupt the consensus splice site. In summary, the available evidence is currently insufficient to determine the role of this variant in disease. Therefore, it has been classified as a Variant of Uncertain Significance.

AiLife Diagnostics
Classification: Uncertain significance. Last evaluated: 2022-02-23. Review status: criteria provided, single submitter. Criteria: ACMG Guidelines, 2015. Collection method: clinical testing. Allele origin: germline. Affected: yes. Observed: 1 variant allele.

Literature cited by the submitters: PubMed 35699227 (cited by 3 submitters); PubMed 17576681 (cited by Labcorp Genetics (formerly Invitae), Labcorp); PubMed 9536098 (cited by Labcorp Genetics (formerly Invitae), Labcorp).